The following is an entry in ClinVar:

NM_000051.4(ATM):c.7213A>C (p.Met2405Leu)

Genes: ATM (ATM serine/threonine kinase; plus strand), C11orf65 (chromosome 11 open reading frame 65; minus strand). Cytogenetic location: 11q22.3.
Variant type: single nucleotide variant.
Coding change: c.7213A>C on transcript NM_000051.4 (MANE Select); coding-DNA position 7213, A replaced by C.
Protein change: p.Met2405Leu; replaces methionine 2405 with leucine.
Molecular consequence: missense variant. On other transcripts: intron variant (2).
Genome position (GRCh38, 1-based): chr11:108,329,144, A>C. VCF-style: chr11-108329144-A-C. GRCh37 (hg19) VCF-style: chr11-108199871-A-C.
Other names: c.7213A>C, p.Met2405Leu (NM_001351834.2); c.641-20073T>G (NM_001330368.2); c.*38+6076T>G (NM_001351110.2); short protein forms M2405L.
Identifiers: ClinVar variation 651074 (VCV000651074.12), dbSNP rs587781323, ClinGen allele CA382559644.

ClinVar aggregate classification (germline): Uncertain significance. Review status: criteria provided, multiple submitters, no conflicts (2 of 4 stars). 3 submissions from 3 submitters: Uncertain significance (3). Last evaluated 2025-10-18.

Conditions:
Hereditary cancer-predisposing syndrome. Also called: Tumor predisposition; Hereditary neoplastic syndrome; Neoplastic Syndromes, Hereditary; Hereditary Cancer Syndrome. Identifiers: Orphanet 140162, MedGen C0027672, MeSH D009386, MONDO:0015356.
Familial cancer of breast. Also called: Hereditary breast cancer; BREAST CANCER, FAMILIAL; hereditary breast carcinoma. Identifiers: Orphanet 227535, MedGen C0346153, MONDO:0016419, OMIM 114480. Disease mechanism: loss of function.
Ataxia-telangiectasia syndrome (AT). Also called: Ataxia-telangiectasia, complementation group D; AT, COMPLEMENTATION GROUP C; ATAXIA-TELANGIECTASIA, COMPLEMENTATION GROUP A; ATAXIA-TELANGIECTASIA, FRESNO VARIANT; Ataxia-telangiectasia; LOUIS-BAR SYNDROME. Identifiers: Orphanet 100, MedGen C0004135, MONDO:0008840, OMIM 208900.

Submissions (3):

Labcorp Genetics (formerly Invitae), Labcorp
Classification: Uncertain significance for Ataxia-telangiectasia syndrome. Last evaluated: 2025-10-18. Review status: criteria provided, single submitter. Criteria: Invitae Variant Classification Sherloc (09022015). Collection method: clinical testing. Allele origin: germline.
Comment: This sequence change replaces methionine, which is neutral and non-polar, with leucine, which is neutral and non-polar, at codon 2405 of the ATM protein (p.Met2405Leu). This variant is not present in population databases (gnomAD no frequency). This variant has not been reported in the literature in individuals affected with ATM-related conditions. ClinVar contains an entry for this variant (Variation ID: 651074). Invitae Evidence Modeling of protein sequence and biophysical properties (such as structural, functional, and spatial information, amino acid conservation, physicochemical variation, residue mobility, and thermodynamic stability) indicates that this missense variant is not expected to disrupt ATM protein function with a negative predictive value of 95%. In summary, the available evidence is currently insufficient to determine the role of this variant in disease. Therefore, it has been classified as a Variant of Uncertain Significance.

Baylor Genetics
Classification: Uncertain significance for Familial cancer of breast. Last evaluated: 2024-03-25. Review status: criteria provided, single submitter. Criteria: ACMG Guidelines, 2015. Collection method: clinical testing. Allele origin: unknown.

Ambry Genetics
Classification: Uncertain significance for Hereditary cancer-predisposing syndrome. Last evaluated: 2024-02-29. Review status: criteria provided, single submitter. Criteria: Ambry Variant Classification Scheme 2023. Collection method: clinical testing. Allele origin: germline.
Comment: The p.M2405L variant (also known as c.7213A>C), located in coding exon 48 of the ATM gene, results from an A to C substitution at nucleotide position 7213. The methionine at codon 2405 is replaced by leucine, an amino acid with highly similar properties. This amino acid position is highly conserved in available vertebrate species. In addition, the in silico prediction for this alteration is inconclusive. Based on the available evidence, the clinical significance of this alteration remains unclear.